The following is an entry in ClinVar:

NM_003560.4(PLA2G6):c.2104C>T (p.Pro702Ser)

Gene: PLA2G6 (phospholipase A2 group VI; minus strand). Cytogenetic location: 22q13.1.
Variant type: single nucleotide variant.
Coding change: c.2104C>T on transcript NM_003560.4 (MANE Select); coding-DNA position 2104, C replaced by T.
Protein change: p.Pro702Ser; replaces proline 702 with serine.
Molecular consequence: missense variant.
Genome position (GRCh38, 1-based): chr22:38,113,585, G>A on the plus strand (C>T on the coding strand, the complement: PLA2G6 is on the minus strand). VCF-style: chr22-38113585-G-A. GRCh37 (hg19) VCF-style: chr22-38509592-G-A.
Other names: c.1942C>T, p.Pro648Ser (NM_001004426.3, NM_001199562.3, NM_001349865.2 and 1 more transcripts); c.2104C>T, p.Pro702Ser (NM_001349864.2); c.1570C>T, p.Pro524Ser (NM_001349867.2); c.1426C>T, p.Pro476Ser (NM_001349868.2); c.1408C>T, p.Pro470Ser (NM_001349869.2); short protein forms P470S, P476S, P524S, P648S, P702S.
Identifiers: ClinVar variation 1007371 (VCV001007371.4), dbSNP rs546061827, ClinGen allele CA10230604.
Genomic context (GRCh38, chr22:38,113,585, plus strand): 5'-AAACAGTCTTGGCCAGCTCCCAGGGGTTGCTGGGACGGAAGACATCCACACAGGTCACAG[G>A]CACTTGTGGGGACCTCCCTGTCCCCAGGGAGACAACGATGGAGAGTTTCTTCACCTTGTT-3'
Protein context (NP_003551.2, residues 692-712): SLGTGRSPQV[Pro702Ser]VTCVDVFRPS

ClinVar aggregate classification (germline): Uncertain significance (1 of 4 stars; one submission).

Conditions:
Infantile neuroaxonal dystrophy (NBIA2A). Also called: NEURODEGENERATION WITH BRAIN IRON ACCUMULATION 2A; SEITELBERGER DISEASE; Infantile neuroaxonal dystrophy 1. Identifiers: Orphanet 35069, MedGen C0270724, MONDO:0024457, OMIM 256600.

Allele frequency attached by ClinVar (database versions not stated): TOPMed below 0.00001; gnomAD 0.00001; gnomAD exomes 0.00001 and 0.00003; ExAC 0.00002; 1000 Genomes Project 30x 0.00016; 1000 Genomes Project 0.00020.
gnomAD v4.1: 18 of 1,613,458 alleles (0.0011%); highest among the groups gnomAD compares: South Asian, 0.015%; no homozygotes.

Submission:

Labcorp Genetics (formerly Invitae), Labcorp
Classification: Uncertain significance for Infantile neuroaxonal dystrophy. Last evaluated: 2022-09-02. Review status: criteria provided, single submitter. Criteria: Invitae Variant Classification Sherloc (09022015). Collection method: clinical testing. Allele origin: germline.
Comment: This sequence change replaces proline, which is neutral and non-polar, with serine, which is neutral and polar, at codon 702 of the PLA2G6 protein (p.Pro702Ser). This variant is present in population databases (rs546061827, gnomAD 0.02%). This variant has not been reported in the literature in individuals affected with PLA2G6-related conditions. ClinVar contains an entry for this variant (Variation ID: 1007371). Advanced modeling of protein sequence and biophysical properties (such as structural, functional, and spatial information, amino acid conservation, physicochemical variation, residue mobility, and thermodynamic stability) performed at Invitae indicates that this missense variant is not expected to disrupt PLA2G6 protein function. In summary, the available evidence is currently insufficient to determine the role of this variant in disease. Therefore, it has been classified as a Variant of Uncertain Significance.